The following is an entry in ClinVar:

ClinVar aggregate classification (germline): Uncertain significance (1 of 4 stars; one submission).

Submission:

GeneDx
Classification: Uncertain significance. Last evaluated: 2024-12-31. Review status: criteria provided, single submitter. Criteria: GeneDx Variant Classification Process June 2021. Collection method: clinical testing. Allele origin: germline. Affected: yes.
Comment: Not observed at significant frequency in large population cohorts (gnomAD); In silico analysis indicates that this missense variant does not alter protein structure/function; In silico analysis is inconclusive as to whether the variant alters gene splicing. In the absence of RNA/functional studies, the actual effect of this sequence change is unknown.; Has not been previously published as pathogenic or benign to our knowledge

NM_001379291.1(BRD4):c.2047G>A (p.Ala683Thr)

Gene: BRD4 (bromodomain containing 4; minus strand). Cytogenetic location: 19p13.12.
Variant type: single nucleotide variant.
Coding change: c.2047G>A on transcript NM_001379291.1 (MANE Select); coding-DNA position 2047, G replaced by A.
Protein change: p.Ala683Thr; replaces alanine 683 with threonine.
Molecular consequence: missense variant.
Genome position (GRCh38, 1-based): chr19:15,255,297, C>T on the plus strand (G>A on the coding strand, the complement: BRD4 is on the minus strand). VCF-style: chr19-15255297-C-T. GRCh37 (hg19) VCF-style: chr19-15366108-C-T.
Other names: c.2047G>A, p.Ala683Thr (NM_001330384.2, NM_001379292.1, NM_014299.3 and 1 more transcripts); short protein forms A683T.
Identifiers: ClinVar variation 3908079 (VCV003908079.1).
Genomic context (GRCh38, chr19:15,255,297, plus strand): 5'-GAAAAGTTACTCTGAGGGTGCCCACAGAAGGAACCCCATGCCCAGGGGGCCCAAGCACAC[C>T]TTGAGGTTTCCTTTTCTTCCGCAAACAGGAGGTGACATAGCGCTCCAGCTCACGCAGTGT-3'
Protein context (NP_001366220.1, residues 673-693): SCLRKKRKPQ[Ala683Thr]EKVDVIAGSS